The following is an entry in ClinVar:

NM_018062.4(FANCL):c.775+6A>G

Gene: FANCL (FA complementation group L; minus strand). Cytogenetic location: 2p16.1.
Variant type: single nucleotide variant.
Coding change: c.775+6A>G on transcript NM_018062.4 (MANE Select); 6 bases into the intron after coding-DNA position 775, A replaced by G.
Molecular consequence: intron variant.
Genome position (GRCh38, 1-based): chr2:58,163,428, T>C on the plus strand (A>G on the coding strand, the complement: FANCL is on the minus strand). VCF-style: chr2-58163428-T-C. GRCh37 (hg19) VCF-style: chr2-58390563-T-C.
Other names: c.835+6A>G (NM_001410792.1); c.820+6A>G (NM_001374615.1); c.790+6A>G (NM_001114636.2).
Identifiers: ClinVar variation 2919107 (VCV002919107.3), dbSNP rs1169977898, ClinGen allele CA532805381.

ClinVar aggregate classification (germline): Uncertain significance (1 of 4 stars; one submission).

Conditions:
Fanconi anemia (FA). Also called: Fanconi's anemia. Identifiers: Orphanet 84, MedGen C0015625, MeSH D005199, MONDO:0019391.

Allele frequency attached by ClinVar (database versions not stated): gnomAD exomes below 0.00001.
gnomAD v4.1: 3 of 1,594,922 alleles (0.00019%); highest among the groups gnomAD compares: Non-Finnish European, 0.00026%; no homozygotes.

Submission:

Labcorp Genetics (formerly Invitae), Labcorp
Classification: Uncertain significance for Fanconi anemia. Last evaluated: 2023-11-02. Review status: criteria provided, single submitter. Criteria: Invitae Variant Classification Sherloc (09022015). Collection method: clinical testing. Allele origin: germline.
Comment: This sequence change falls in intron 9 of the FANCL gene. It does not directly change the encoded amino acid sequence of the FANCL protein. It affects a nucleotide within the consensus splice site. The frequency data for this variant in the population databases is considered unreliable, as metrics indicate poor data quality at this position in the gnomAD database. This variant has not been reported in the literature in individuals affected with FANCL-related conditions. Variants that disrupt the consensus splice site are a relatively common cause of aberrant splicing (PMID: 17576681, 9536098). Algorithms developed to predict the effect of sequence changes on RNA splicing suggest that this variant is not likely to affect RNA splicing. In summary, the available evidence is currently insufficient to determine the role of this variant in disease. Therefore, it has been classified as a Variant of Uncertain Significance.

Literature cited by the submitters: PubMed 17576681; PubMed 9536098.